The following is an entry in ClinVar:

NM_001113407.3(LDB1):c.648+5G>C

Gene: LDB1 (LIM domain binding 1; minus strand). Cytogenetic location: 10q24.32.
Variant type: single nucleotide variant.
Coding change: c.648+5G>C on transcript NM_001113407.3 (MANE Select); 5 bases into the intron after coding-DNA position 648, G replaced by C.
Molecular consequence: intron variant.
Genome position (GRCh38, 1-based): chr10:102,109,916, C>G on the plus strand (G>C on the coding strand, the complement: LDB1 is on the minus strand). VCF-style: chr10-102109916-C-G. GRCh37 (hg19) VCF-style: chr10-103869673-C-G.
Other names: c.648+5G>C (NM_001321612.2); c.540+5G>C (NM_003893.5).
Identifiers: ClinVar variation 3602238 (VCV003602238.1).

ClinVar aggregate classification (germline): Uncertain significance (1 of 4 stars; one submission).

Submission:

GeneDx
Classification: Uncertain significance. Last evaluated: 2022-12-05. Review status: criteria provided, single submitter. Criteria: GeneDx Variant Classification Process June 2021. Collection method: clinical testing. Allele origin: germline. Affected: yes.
Comment: Not observed at significant frequency in large population cohorts (gnomAD); In silico analysis supports a deleterious effect on splicing; Has not been previously published as pathogenic or benign to our knowledge; Variants in candidate genes are classified as variants of uncertain significance in accordance with ACMG guidelines (Richards et al., 2015)